The following is an entry in ClinVar:

NM_006767.4(LZTR1):c.912C>G (p.Asp304Glu)

Gene: LZTR1 (leucine zipper like post translational regulator 1; plus strand). Cytogenetic location: 22q11.21.
Variant type: single nucleotide variant.
Coding change: c.912C>G on transcript NM_006767.4 (MANE Select); coding-DNA position 912, C replaced by G.
Protein change: p.Asp304Glu; replaces aspartic acid 304 with glutamic acid.
Molecular consequence: missense variant.
Genome position (GRCh38, 1-based): chr22:20,991,748, C>G. VCF-style: chr22-20991748-C-G. GRCh37 (hg19) VCF-style: chr22-21346037-C-G.
Other names: short protein forms D304E.
Identifiers: ClinVar variation 2011515 (VCV002011515.4), dbSNP rs2518617243, ClinGen allele CA410781405.

ClinVar aggregate classification (germline): Uncertain significance (1 of 4 stars; one submission).

gnomAD v4.1: 2 of 1,566,862 alleles (0.00013%); highest among the groups gnomAD compares: Non-Finnish European, 0.00017%; no homozygotes.

Submission:

Labcorp Genetics (formerly Invitae), Labcorp
Classification: Uncertain significance. Last evaluated: 2022-06-27. Review status: criteria provided, single submitter. Criteria: Invitae Variant Classification Sherloc (09022015). Collection method: clinical testing. Allele origin: germline.
Comment: In summary, the available evidence is currently insufficient to determine the role of this variant in disease. Therefore, it has been classified as a Variant of Uncertain Significance. Algorithms developed to predict the effect of missense changes on protein structure and function are either unavailable or do not agree on the potential impact of this missense change (SIFT: "Tolerated"; PolyPhen-2: "Possibly Damaging"; Align-GVGD: "Class C0"). This variant has not been reported in the literature in individuals affected with LZTR1-related conditions. This variant is not present in population databases (gnomAD no frequency). This sequence change replaces aspartic acid, which is acidic and polar, with glutamic acid, which is acidic and polar, at codon 304 of the LZTR1 protein (p.Asp304Glu).